The following is an entry in ClinVar:

ClinVar aggregate classification (germline): Pathogenic/Likely pathogenic. Review status: criteria provided, multiple submitters, no conflicts (2 of 4 stars). 3 submissions from 3 submitters: Pathogenic (1); Likely pathogenic (2). Last evaluated 2025-06-06.

Conditions:
Autosomal recessive osteopetrosis 1. Also called: TCIRG1-Related Autosomal Recessive Osteopetrosis; ALBERS-SCHONBERG DISEASE, AUTOSOMAL RECESSIVE; TCIRG1-Related Osteopetrosis. Identifiers: Orphanet 667, MedGen C1850127, MONDO:0009815, OMIM 259700.

Submissions (3):

Labcorp Genetics (formerly Invitae), Labcorp
Classification: Pathogenic. Last evaluated: 2025-06-06. Review status: criteria provided, single submitter. Criteria: Invitae Variant Classification Sherloc (09022015). Collection method: clinical testing. Allele origin: germline.
Comment: This sequence change creates a premature translational stop signal (p.His177Profs*47) in the TCIRG1 gene. It is expected to result in an absent or disrupted protein product. Loss-of-function variants in TCIRG1 are known to be pathogenic (PMID: 10888887, 10942435, 11532986, 19448635). This variant is not present in population databases (gnomAD no frequency). This variant has not been reported in the literature in individuals affected with TCIRG1-related conditions. ClinVar contains an entry for this variant (Variation ID: 1406783). For these reasons, this variant has been classified as Pathogenic.

Natera, Inc.
Classification: Likely pathogenic for Infantile malignant osteopetrosis. Last evaluated: 2024-11-21. Review status: criteria provided, single submitter. Criteria: Natera Variant Classification Schema (03/2026). Collection method: clinical testing. Allele origin: germline.
Comment: The c.530_537delACAAGGCC variant in TCIRG1 is a frameshift variant predicted to shift the reading frame beginning at codon 177 and leads to a stop codon 47 codons downstream. This variant is expected to result in nonsense mediated decay, truncation, or a dysfunctional protein product. This variant is rare in the general population with a frequency below the threshold expected for the associated phenotype(s). Given the available evidence, this variant is classified as Likely Pathogenic.

Baylor Genetics
Classification: Likely pathogenic for Autosomal recessive osteopetrosis 1. Last evaluated: 2024-03-04. Review status: criteria provided, single submitter. Criteria: ACMG Guidelines, 2015. Collection method: clinical testing. Allele origin: unknown.

Literature cited by the submitters: PubMed 10888887 (cited by Labcorp Genetics (formerly Invitae), Labcorp); PubMed 10942435 (cited by Labcorp Genetics (formerly Invitae), Labcorp); PubMed 11532986 (cited by Labcorp Genetics (formerly Invitae), Labcorp); PubMed 19448635 (cited by Labcorp Genetics (formerly Invitae), Labcorp).

NM_006019.4(TCIRG1):c.530_537del (p.His177fs)

Gene: TCIRG1 (T cell immune regulator 1, ATPase H+ transporting V0 subunit a3; plus strand). Cytogenetic location: 11q13.2.
Variant type: Deletion.
Coding change: c.530_537del on transcript NM_006019.4 (MANE Select); coding-DNA positions 530 to 537, 8 bases deleted (ACAAGGCC; older notation c.530_537delACAAGGCC).
Protein change: p.His177fs; shifts the reading frame from histidine 177.
Molecular consequence: frameshift variant. On other transcripts: 5 prime UTR variant (2).
Genome position (GRCh38, 1-based): chr11:68,043,397-68,043,404, ACAAGGCC deleted; deleting any 8 consecutive bases within chr11:68,043,395-68,043,404 gives the same sequence; the c. name uses the placement nearest the transcript's 3' end. VCF-style (leftmost placement, unchanged base first): chr11-68043394-CCCACAAGG-C. GRCh37 (hg19) VCF-style: chr11-67810861-CCCACAAGG-C.
Other names: c.530_537delACAAGGCC (NM_006019.3); c.-381_-374del (NM_001351059.2); c.-119_-112del (NM_006053.4); short protein forms H177fs.
Identifiers: ClinVar variation 1406783 (VCV001406783.8), dbSNP rs1295614525, ClinGen allele CA679549786.